The following is an entry in ClinVar:

ClinVar aggregate classification (germline): Likely benign (1 of 4 stars; one submission).

Submission:

GeneDx
Classification: Likely benign. Last evaluated: 2018-05-11. Review status: criteria provided, single submitter. Criteria: GeneDx Variant Classification (06012015). Collection method: clinical testing. Allele origin: germline. Affected: yes.
Comment: This variant is considered likely benign or benign based on one or more of the following criteria: it is a conservative change, it occurs at a poorly conserved position in the protein, it is predicted to be benign by multiple in silico algorithms, and/or has population frequency not consistent with disease.

NM_001267550.2(TTN):c.32152C>G (p.Leu10718Val)

Gene: TTN (titin; minus strand). Cytogenetic location: 2q31.2.
Variant type: single nucleotide variant.
Coding change: c.32152C>G on transcript NM_001267550.2 (MANE Select); coding-DNA position 32152, C replaced by G.
Protein change: p.Leu10718Val; replaces leucine 10718 with valine.
Molecular consequence: missense variant. On other transcripts: intron variant (3).
Genome position (GRCh38, 1-based): chr2:178,688,722, G>C on the plus strand (C>G on the coding strand, the complement: TTN is on the minus strand). VCF-style: chr2-178688722-G-C. GRCh37 (hg19) VCF-style: chr2-179553449-G-C.
Other names: c.31201C>G, p.Leu10401Val (NM_001256850.1); c.28420C>G, p.Leu9474Val (NM_133378.4); c.13283-46405C>G (NM_003319.4); c.13859-46405C>G (NM_133437.4); c.13658-46405C>G (NM_133432.3); short protein forms L10401V, L10718V, L9474V.
Identifiers: ClinVar variation 668436 (VCV000668436.1), dbSNP rs1577443243, ClinGen allele CA349553228.